The following continues an entry in ClinVar:

NM_007294.4(BRCA1):c.2477C>A (p.Thr826Lys)

Gene: BRCA1. ClinVar aggregate classification (germline): Benign. Benign (1).

Submissions 18 to 34 of 34:

Illumina Laboratory Services, Illumina
Classification: Uncertain significance for Breast-ovarian cancer, familial, susceptibility to, 1. Last evaluated: 2017-04-27. Review status: criteria provided, single submitter. Criteria: ICSL Variant Classification Criteria 13 December 2019. Collection method: clinical testing. Allele origin: germline. Not counted in ClinVar's aggregate classification.
Comment: This variant was observed as part of a predisposition screen in an ostensibly healthy population. A literature search was performed for the gene, cDNA change, and amino acid change (where applicable). Publications were found based on this search. However, the evidence from the literature, in combination with allele frequency data from public databases where available, was not sufficient to rule this variant in or out of causing disease. Therefore, this variant is classified as a variant of unknown significance.

Department of Pathology and Molecular Medicine, Queen's University
Classification: Benign. Last evaluated: 2017-04-20. Review status: criteria provided, single submitter. Criteria: ACMG Guidelines, 2015. Collection method: clinical testing. Allele origin: germline. Study: The Canadian Open Genetics Repository (COGR). Not counted in ClinVar's aggregate classification.

Institute for Biomarker Research, Medical Diagnostic Laboratories, L.L.C.
Classification: Likely benign for Hereditary breast ovarian cancer syndrome. Last evaluated: 2016-04-25. Review status: criteria provided, single submitter. Criteria: ACMG Guidelines, 2015. Collection method: clinical testing. Allele origin: germline. Not counted in ClinVar's aggregate classification.

Color Diagnostics, LLC DBA Color Health
Classification: Likely benign for Hereditary cancer-predisposing syndrome. Last evaluated: 2015-02-11. Review status: criteria provided, single submitter. Criteria: ACMG Guidelines, 2015. Collection method: clinical testing. Allele origin: germline. Not counted in ClinVar's aggregate classification.

Ambry Genetics
Classification: Benign for Hereditary cancer-predisposing syndrome. Last evaluated: 2014-11-18. Review status: criteria provided, single submitter. Criteria: Ambry Variant Classification Scheme 2023. Collection method: clinical testing. Allele origin: germline. Not counted in ClinVar's aggregate classification.

Eurofins Ntd Llc (ga)
Classification: Benign. Last evaluated: 2014-08-07. Review status: criteria provided, single submitter. Criteria: EGL Classification Definitions 2015. Collection method: clinical testing. Allele origin: germline. Not counted in ClinVar's aggregate classification.

CSER _CC_NCGL, University of Washington
Classification: Uncertain significance for Breast cancer. Last evaluated: 2014-06-01. Review status: criteria provided, single submitter. Criteria: Amendola et al. (Genome Res. 2015). Collection method: research. Allele origin: germline. Inheritance: Autosomal dominant inheritance. Study: ESP 6500 variant annotation. Not counted in ClinVar's aggregate classification.
Comment: Low GERP score may suggest that this variant may belong in a lower pathogenicity class

Variants classified for the Actionable exomic incidental findings in 6503 participants: challenges of variant classification manuscript

Genetic Services Laboratory, University of Chicago
Classification: Likely benign. Last evaluated: 2022-08-30. Review status: no assertion criteria provided. Collection method: clinical testing. Allele origin: germline. Affected: no. Not counted in ClinVar's aggregate classification.

BRCAlab, Lund University
Classification: Benign for Breast-ovarian cancer, familial, susceptibility to, 1. Last evaluated: 2020-03-02. Review status: no assertion criteria provided. Collection method: clinical testing. Allele origin: germline. Affected: yes. Not counted in ClinVar's aggregate classification.

PreventionGenetics, part of Exact Sciences
Classification: Likely benign for BRCA1-related condition. Last evaluated: 2019-08-05. Review status: no assertion criteria provided. Collection method: clinical testing. Allele origin: germline. Not counted in ClinVar's aggregate classification.
Comment: This variant is classified as likely benign based on ACMG/AMP sequence variant interpretation guidelines (Richards et al. 2015 PMID: 25741868, with internal and published modifications).

Counsyl
Classification: Likely benign for Breast-ovarian cancer, familial 1. Last evaluated: 2014-06-12. Review status: no assertion criteria provided. Collection method: literature only. Allele origin: unknown. Inheritance: Autosomal dominant inheritance. Not counted in ClinVar's aggregate classification.

Research Molecular Genetics Laboratory, Women's College Hospital, University of Toronto
Classification: Benign. Last evaluated: 2014-01-31. Review status: no assertion criteria provided. Collection method: research. Allele origin: germline. Affected: yes. Study: The Canadian Open Genetics Repository (COGR). Not counted in ClinVar's aggregate classification.

Sharing Clinical Reports Project (SCRP)
Classification: Benign for Breast-ovarian cancer, familial 1. Last evaluated: 2012-05-01. Review status: no assertion criteria provided. Collection method: clinical testing. Allele origin: germline. Not counted in ClinVar's aggregate classification.

Breast Cancer Information Core (BIC) (BRCA1)
Classification: Uncertain significance for Breast-ovarian cancer, familial 1. Last evaluated: 2002-05-29. Review status: no assertion criteria provided. Collection method: clinical testing. Allele origin: germline. Affected: yes. Observed: 38 variant alleles. Not counted in ClinVar's aggregate classification.

Department of Pathology and Laboratory Medicine, Sinai Health System
Classification: Likely benign for Breast-ovarian cancer, familial, susceptibility to, 1. Review status: no assertion criteria provided. Collection method: clinical testing. Allele origin: unknown. Affected: yes. Study: The Canadian Open Genetics Repository (COGR). Not counted in ClinVar's aggregate classification.
Comment: The BRCA1 p.Thr826Lys variant was identified in 12 of 6080 proband chromosomes (frequency: 0.002) from individuals or families with breast or ovarian cancer and was not identified in 372 control chromosomes from healthy individuals (Simard 2007, Capanu 2011, Tonin 1998, Palomba 2009, Klemp 2000, Dean 2015). The variant was identified in dbSNP (rs28897683) as â€šÃ„Ãºwith other alleleâ€šÃ„Ã¹, ClinVar (classified as benign by ENIGMA expert panel in 2015, Invitae, Ambry Genetics, Gene Dx and 6 other submitters; as likely benign by Counsyl, Color and 2 other submitters; and as uncertain significance by BIC and 3 other submitters), LOVD 3.0 (observed 17x) and UMD-LSDB (observed 33x). The variant was identified in control databases in 52 of 276616 chromosomes at a frequency of 0.0002 (Genome Aggregation Database Feb 27, 2017). The variant was observed in the following populations: African in 4 of 24,028 chromosomes (freq: 0.0002), Latino in 8 of 34,412 chromosomes (freq: 0.0002) and European in 40 of 126,296 chromosomes (freq: 0.0003), while the variant was not observed in the Other, Ashkenazi Jewish, East Asian, Finnish, or South Asian populations. The variant was observed in the UMD-LSDB database in 3 cases with co-occurring pathogenic variants: BRCA1 c.3669del (p.Cys1225Alafs*10), BRCA1 c.4251_4252del (p.Leu1418Argfs*9), and BRCA2 c.6359C>G (p.Ser2120*). In a complementation assay in BRCA1-deficient mouse embryonic stem cells, the variant was demonstrated to have no observed effect on cell proliferation and sensitivity to cisplatin, indicating the variant protein activity was sufficient to complement the BRCA1-null cells (Bouwman 2013). The p.Thr826 residue is conserved in mammals but not in more distantly related organisms and four out of five computational analyses (PolyPhen-2, SIFT, AlignGVGD, BLOSUM, MutationTaster) do not suggest a high likelihood of impact to the protein; this information is not predictive enough to rule out pathogenicity. The variant occurs outside of the splicing consensus sequence and in silico or computational prediction software programs (SpliceSiteFinder, MaxEntScan, NNSPLICE, GeneSplicer) do not predict a difference in splicing. In summary, based on the above information, the clinical significance of this variant cannot be determined with certainty at this time although we would lean towards a more benign role for this variant. This variant is classified as likely benign.

Diagnostic Laboratory, Department of Genetics, University Medical Center Groningen
Classification: Likely benign. Review status: no assertion criteria provided. Collection method: clinical testing. Allele origin: germline. Affected: yes. Study: VKGL Data-share Consensus. Not counted in ClinVar's aggregate classification.

Joint Genome Diagnostic Labs from Nijmegen and Maastricht, Radboudumc and MUMC+
Classification: Benign. Review status: no assertion criteria provided. Collection method: clinical testing. Allele origin: germline. Affected: yes. Study: VKGL Data-share Consensus. Not counted in ClinVar's aggregate classification.

Literature cited by the submitters: PubMed 21990134 (cited by 3 submitters); PubMed 34981296 (cited by Quest Diagnostics Nichols Institute San Juan Capistrano); PubMed 33087888 (cited by Quest Diagnostics Nichols Institute San Juan Capistrano); PubMed 33471991 (cited by Quest Diagnostics Nichols Institute San Juan Capistrano); PubMed 21702907 (cited by 3 submitters); PubMed 18375895 (cited by 4 submitters); PubMed 16518693 (cited by 3 submitters); PubMed 10635334 (cited by 3 submitters); PubMed 23867111 (cited by 3 submitters); PubMed 26543556 (cited by Quest Diagnostics Nichols Institute San Juan Capistrano); PubMed 25637381 (cited by Quest Diagnostics Nichols Institute San Juan Capistrano); PubMed 26689913 (cited by Quest Diagnostics Nichols Institute San Juan Capistrano); DOI 10.3389/fgene.2022.834265 (cited by National Health Laboratory Service, Universitas Academic Hospital and University of the Free State); PubMed 9792861 (cited by Illumina Laboratory Services, Illumina); PubMed 17719744 (cited by Illumina Laboratory Services, Illumina); PubMed 7894492 (cited by Illumina Laboratory Services, Illumina); PubMed 7837387 (cited by Illumina Laboratory Services, Illumina and Counsyl); PubMed 11802209 (cited by Illumina Laboratory Services, Illumina and Counsyl); PubMed 10882858 (cited by Counsyl); PubMed 18446624 (cited by Counsyl); PubMed 19619314 (cited by Counsyl); PubMed 21520273 (cited by Counsyl).